The following is an entry in ClinVar:

ClinVar aggregate classification (germline): Likely pathogenic (1 of 4 stars; one submission).

Submission:

Labcorp Genetics (formerly Invitae), Labcorp
Classification: Likely pathogenic. Last evaluated: 2023-02-16. Review status: criteria provided, single submitter. Criteria: Invitae Variant Classification Sherloc (09022015). Collection method: clinical testing. Allele origin: unknown.
Comment: In summary, the currently available evidence indicates that the variant is pathogenic, but additional data are needed to prove that conclusively. Therefore, this variant has been classified as Likely Pathogenic. This variant has not been reported in the literature in individuals affected with TBCD-related conditions. This variant results in a copy number gain of the genomic region encompassing exon(s) 27-32 of the TBCD gene. While the exact position of this variant cannot be determined from the data, sub-genic copy number gains are generally in tandem (PMID: 25640679). This variant is predicted to be out-of-frame, and may result in an absent or disrupted protein product. Loss-of-function variants in TBCD are known to be pathogenic (PMID: 27666370, 27666374).

Literature cited by the submitters: PubMed 25640679; PubMed 27666370; PubMed 27666374.

NC_000017.10:g.(?_80882795)_(80887396_?)dup

Gene: TBCD (tubulin folding cofactor D). Cytogenetic location: 17q25.3.
Variant type: Duplication.
Identifiers: ClinVar variation 3243174 (VCV003243174.1).